The following is an entry in ClinVar:

ClinVar aggregate classification (germline): Uncertain significance. Review status: criteria provided, multiple submitters, no conflicts (2 of 4 stars). 2 submissions from 2 submitters: Uncertain significance (2). Last evaluated 2022-03-13.

Allele frequency attached by ClinVar (database versions not stated): gnomAD 0.00003; TOPMed 0.00004; ExAC 0.00005; 1000 Genomes Project 30x 0.00016; 1000 Genomes Project 0.00020.
gnomAD v4.1: 44 of 1,613,798 alleles (0.0027%); highest among the groups gnomAD compares: Admixed American, 0.037%; no homozygotes.

Submissions (2):

Labcorp Genetics (formerly Invitae), Labcorp
Classification: Uncertain significance. Last evaluated: 2022-03-13. Review status: criteria provided, single submitter. Criteria: Invitae Variant Classification Sherloc (09022015). Collection method: clinical testing. Allele origin: germline.
Comment: This sequence change replaces arginine, which is basic and polar, with glutamine, which is neutral and polar, at codon 871 of the TMPRSS15 protein (p.Arg871Gln). This variant is present in population databases (rs186150928, gnomAD 0.04%). This variant has not been reported in the literature in individuals affected with TMPRSS15-related conditions. Algorithms developed to predict the effect of missense changes on protein structure and function output the following: SIFT: "Not Available"; PolyPhen-2: "Benign"; Align-GVGD: "Not Available". The glutamine amino acid residue is found in multiple mammalian species, which suggests that this missense change does not adversely affect protein function. In summary, the available evidence is currently insufficient to determine the role of this variant in disease. Therefore, it has been classified as a Variant of Uncertain Significance.

Breakthrough Genomics
Classification: Uncertain significance. Review status: criteria provided, single submitter. Criteria: ACMG Guidelines, 2015. Collection method: not provided. Allele origin: germline. Inheritance: Autosomal dominant inheritance. Affected: yes.

NM_002772.3(TMPRSS15):c.2612G>A (p.Arg871Gln)

Gene: TMPRSS15 (transmembrane serine protease 15; minus strand). Cytogenetic location: 21q21.1.
Variant type: single nucleotide variant.
Coding change: c.2612G>A on transcript NM_002772.3 (MANE Select); coding-DNA position 2612, G replaced by A.
Protein change: p.Arg871Gln; replaces arginine 871 with glutamine.
Molecular consequence: missense variant.
Genome position (GRCh38, 1-based): chr21:18,281,096, C>T on the plus strand (G>A on the coding strand, the complement: TMPRSS15 is on the minus strand). VCF-style: chr21-18281096-C-T. GRCh37 (hg19) VCF-style: chr21-19653413-C-T.
Other names: short protein forms R871Q.
Identifiers: ClinVar variation 2082473 (VCV002082473.2), dbSNP rs186150928, ClinGen allele CA9983989.